The following is an entry in ClinVar:

ClinVar aggregate classification (germline): Uncertain significance (1 of 4 stars; one submission).

Conditions:
Familial adenomatous polyposis 1 (FAP1). Also called: FAMILIAL ADENOMATOUS POLYPOSIS 1, ATTENUATED; POLYPOSIS, ADENOMATOUS INTESTINAL. Identifiers: MedGen C2713442, MONDO:0021056, OMIM 175100. Disease mechanism: loss of function.

Submission:

Labcorp Genetics (formerly Invitae), Labcorp
Classification: Uncertain significance for Familial adenomatous polyposis 1. Last evaluated: 2026-01-02. Review status: criteria provided, single submitter. Criteria: Invitae Variant Classification Sherloc (09022015). Collection method: clinical testing. Allele origin: germline.
Comment: This sequence change replaces leucine, which is neutral and non-polar, with valine, which is neutral and non-polar, at codon 1302 of the APC protein (p.Leu1302Val). This variant is not present in population databases (gnomAD no frequency). This variant has not been reported in the literature in individuals affected with APC-related conditions. Invitae Evidence Modeling of protein sequence and biophysical properties (such as structural, functional, and spatial information, amino acid conservation, physicochemical variation, residue mobility, and thermodynamic stability) indicates that this missense variant is not expected to disrupt APC protein function with a negative predictive value of 95%. In summary, the available evidence is currently insufficient to determine the role of this variant in disease. Therefore, it has been classified as a Variant of Uncertain Significance.

NM_000038.6(APC):c.3904C>G (p.Leu1302Val)

Gene: APC (APC regulator of Wnt signaling pathway; plus strand). Cytogenetic location: 5q22.2.
Variant type: single nucleotide variant.
Coding change: c.3904C>G on transcript NM_000038.6 (MANE Select); coding-DNA position 3904, C replaced by G.
Protein change: p.Leu1302Val; replaces leucine 1302 with valine.
Molecular consequence: missense variant. On other transcripts: non-coding transcript variant (2).
Genome position (GRCh38, 1-based): chr5:112,839,498, C>G. VCF-style: chr5-112839498-C-G. GRCh37 (hg19) VCF-style: chr5-112175195-C-G.
Other names: c.3904C>G, p.Leu1302Val (NM_001127510.3, NM_001354895.2, NM_001407450.1); c.3850C>G, p.Leu1284Val (NM_001127511.3); c.3958C>G, p.Leu1320Val (NM_001354896.2, NM_001407447.1, NM_001407448.1 and 1 more transcripts); c.3934C>G, p.Leu1312Val (NM_001354897.2); c.3829C>G, p.Leu1277Val (NM_001354898.2); c.3820C>G, p.Leu1274Val (NM_001354899.2); c.3781C>G, p.Leu1261Val (NM_001354900.2); c.3727C>G, p.Leu1243Val (NM_001354901.2, NM_001407453.1); and 11 more; short protein forms L1019V, L1142V, L1173V, L1176V, L1201V, L1211V, L1219V, L1243V.
Identifiers: ClinVar variation 4796831 (VCV004796831.1).